The following is an entry in ClinVar:

ClinVar aggregate classification (germline): Uncertain significance. Review status: criteria provided, multiple submitters, no conflicts (2 of 4 stars). 4 submissions from 4 submitters: Uncertain significance (4). Last evaluated 2025-04-03.

Conditions:
Inborn genetic diseases. Identifiers: MedGen C0950123, MeSH D030342.
Spermatogenic failure 28. Identifiers: MedGen C4748117, MONDO:0054732, OMIM 618086.
Premature ovarian failure 15. Identifiers: MedGen C4748170, MONDO:0054862, OMIM 618096.
Hereditary cancer-predisposing syndrome. Also called: Hereditary Cancer Syndrome; Hereditary neoplastic syndrome; Neoplastic Syndromes, Hereditary; Tumor predisposition. Identifiers: Orphanet 140162, MedGen C0027672, MeSH D009386, MONDO:0015356.

Allele frequency attached by ClinVar (database versions not stated): gnomAD exomes below 0.00001; TOPMed 0.00001.
gnomAD v4.1: 8 of 1,598,522 alleles (0.0005%); highest among the groups gnomAD compares: Non-Finnish European, 0.00051%; no homozygotes.

Submissions (4):

Ambry Genetics
Classification: Uncertain significance for Inborn genetic diseases. Last evaluated: 2025-04-03. Review status: criteria provided, single submitter. Criteria: Ambry Variant Classification Scheme 2023. Collection method: clinical testing. Allele origin: germline.
Comment: The p.E1533K variant (also known as c.4597G>A), located in coding exon 18 of the FANCM gene, results from a G to A substitution at nucleotide position 4597. The glutamic acid at codon 1533 is replaced by lysine, an amino acid with similar properties. This amino acid position is conserved. In addition, this alteration is predicted to be tolerated by in silico analysis. Based on the available evidence, the clinical significance of this variant remains unclear.

Fulgent Genetics
Classification: Uncertain significance for Spermatogenic failure 28; Premature ovarian failure 15. Last evaluated: 2024-02-07. Review status: criteria provided, single submitter. Criteria: ACMG Guidelines, 2015. Collection method: clinical testing. Allele origin: germline.

GeneDx
Classification: Uncertain significance. Last evaluated: 2023-12-20. Review status: criteria provided, single submitter. Criteria: GeneDx Variant Classification Process June 2021. Collection method: clinical testing. Allele origin: germline. Affected: yes.
Comment: Not observed at significant frequency in large population cohorts (gnomAD); In silico analysis supports that this missense variant does not alter protein structure/function; Has not been previously published as pathogenic or benign to our knowledge

Sema4
Classification: Uncertain significance for Hereditary cancer-predisposing syndrome. Last evaluated: 2022-03-01. Review status: criteria provided, single submitter. Criteria: Sema4 Curation Guidelines. Collection method: curation. Allele origin: germline.
Comment: The FANCM c.4597G>A (p.E1533K) variant has not been reported in the literature to our knowledge. This variant was observed in 1/247554 chromosomes across all populations, in the Genome Aggregation Database (PMID: 32461654). The variant has not been reported in ClinVar. Functional studies have not been performed, and in silico predictions of the variant's effect on protein function are inconclusive. The evidence is insufficient to meet ACMG/AMP criteria for classifying the variant as benign or pathogenic. Thus, the clinical significance of this variant is currently uncertain.

NM_020937.4(FANCM):c.4597G>A (p.Glu1533Lys)

Gene: FANCM (FA complementation group M; plus strand). Cytogenetic location: 14q21.2.
Variant type: single nucleotide variant.
Coding change: c.4597G>A on transcript NM_020937.4 (MANE Select); coding-DNA position 4597, G replaced by A.
Protein change: p.Glu1533Lys; replaces glutamic acid 1533 with lysine.
Molecular consequence: missense variant.
Genome position (GRCh38, 1-based): chr14:45,185,298, G>A. VCF-style: chr14-45185298-G-A. GRCh37 (hg19) VCF-style: chr14-45654501-G-A.
Other names: c.4519G>A, p.Glu1507Lys (NM_001308133.2); short protein forms E1507K, E1533K.
Identifiers: ClinVar variation 1691901 (VCV001691901.4), dbSNP rs756040772, ClinGen allele CA259634575.